The following is an entry in ClinVar:

NM_014241.4(HACD1):c.355C>T (p.Gln119Ter)

Gene: HACD1 (3-hydroxyacyl-CoA dehydratase 1; minus strand). Cytogenetic location: 10p12.33.
Variant type: single nucleotide variant.
Coding change: c.355C>T on transcript NM_014241.4 (MANE Select); coding-DNA position 355, C replaced by T.
Protein change: p.Gln119Ter; replaces glutamine 119 with a stop codon.
Molecular consequence: nonsense.
Genome position (GRCh38, 1-based): chr10:17,603,950, G>A on the plus strand (C>T on the coding strand, the complement: HACD1 is on the minus strand). VCF-style: chr10-17603950-G-A. GRCh37 (hg19) VCF-style: chr10-17645949-G-A.
Other names: NM_014241.4:c.355C>T; short protein forms Q119*.
Identifiers: ClinVar variation 3252063 (VCV003252063.1), dbSNP rs2493869193.
Genomic context (GRCh38, chr10:17,603,950, plus strand): 5'-ATATTACAGCAATAGAAAAACAGCATGATGGAAAACTTACCTCAAGCAAGGCAAATGTCT[G>A]GAAAAATTTAAGTGTCTTCTGAATACTTTTATATAAACCTCTGTGTGTTCCTTTTTCCAT-3'

ClinVar aggregate classification (germline): Pathogenic (1 of 4 stars; one submission).

Conditions:
Congenital myopathy 11. Also called: Myopathy, congenital, nonprogressive. Identifiers: MedGen C3151531, MONDO:0859264, OMIM 619967.

Submission:

Broad Center for Mendelian Genomics, Broad Institute of MIT and Harvard
Classification: Pathogenic for Congenital myopathy 11. Last evaluated: 2024-06-19. Review status: criteria provided, single submitter. Criteria: ACMG Guidelines, 2015. Collection method: curation. Allele origin: germline. Inheritance: Autosomal recessive inheritance. Study: GREGoR Consortium.
Comment: The p.Gln119Ter variant in HACD1 has not been previously reported in the literature in individuals with congenital myopathy, and was absent from large population studies. This nonsense variant leads to a premature termination codon at position 119, which is predicted to lead to a truncated or absent protein. Loss of function of the HACD1 gene is an established disease mechanism in autosomal recessive congenital myopathy. In summary, this variant meets criteria to be classified as pathogenic for autosomal recessive congenital myopathy. ACMG/AMP Criteria applied: PVS1, PM2_supporting, PM3_supporting (Richards 2015).